The following is an entry in ClinVar:

ClinVar aggregate classification (germline): Benign/Likely benign. Review status: criteria provided, multiple submitters, no conflicts (2 of 4 stars). 6 submissions from 6 submitters: Benign (4); Likely benign (2). Last evaluated 2024-11-26.

Conditions:
Dystonia 16 (DYT16). Also called: DYT-PRKRA. Identifiers: Orphanet 210571, MedGen C2677567, MONDO:0012789, OMIM 612067.

Allele frequency attached by ClinVar (database versions not stated): ESP Exome Variant Server 0.02676; ExAC 0.04275; 1000 Genomes Project 30x 0.04731; gnomAD 0.05105 and 0.05287; gnomAD exomes 0.05580.
gnomAD v4.1: 87,796 of 1,588,914 alleles (5.5%); highest among the groups gnomAD compares: Non-Finnish European, 6.4%; no homozygotes.

Submissions (16):

Blueprint Genetics
Classification: Likely benign. Last evaluated: 2024-11-26. Review status: criteria provided, single submitter. Criteria: ACMG Guidelines, 2015. Collection method: clinical testing. Allele origin: germline.

Labcorp Genetics (formerly Invitae), Labcorp
Classification: Benign for Dystonia 16. Last evaluated: 2024-02-17. Review status: criteria provided, single submitter. Criteria: Invitae Variant Classification Sherloc (09022015). Collection method: clinical testing. Allele origin: germline.

Mayo Clinic Laboratories, Mayo Clinic
Classification: Benign. Last evaluated: 2023-02-24. Review status: criteria provided, single submitter. Criteria: ACMG Guidelines, 2015. Collection method: clinical testing. Allele origin: germline. Observed: 72 variant alleles.
Comment: BA1

GeneDx
Classification: Benign. Last evaluated: 2019-07-16. Review status: criteria provided, single submitter. Criteria: GeneDx Variant Classification Process June 2021. Collection method: clinical testing. Allele origin: germline. Affected: yes.
Comment: This variant is associated with the following publications: (PMID: 30343897)

Illumina Laboratory Services, Illumina
Classification: Benign for Dystonia 16. Last evaluated: 2018-01-13. Review status: criteria provided, single submitter. Criteria: ICSL Variant Classification Criteria 13 December 2019. Collection method: clinical testing. Allele origin: germline.
Comment: This variant was observed in the ICSL laboratory as part of a predisposition screen in an ostensibly healthy population. It had not been previously curated by ICSL or reported in the Human Gene Mutation Database (HGMD: prior to June 1st, 2018), and was therefore a candidate for classification through an automated scoring system. Utilizing variant allele frequency, disease prevalence and penetrance estimates, and inheritance mode, an automated score was calculated to assess if this variant is too frequent to cause the disease. Based on the score and internal cut-off values, a variant classified as benign is not then subjected to further curation. The score for this variant resulted in a classification of benign for this disease.

Breakthrough Genomics
Classification: Likely benign. Review status: criteria provided, single submitter. Criteria: ACMG Guidelines, 2015. Collection method: not provided. Allele origin: germline. Inheritance: Autosomal recessive inheritance. Affected: yes.

Dr. Peter K. Rogan Lab, Western University
No classification provided (evidence only). Condition: Colorectal cancer. Review status: no classification provided. Collection method: in vitro. Allele origin: not applicable. Functional consequence: retained intron. Not counted in ClinVar's aggregate classification.

Dr. Peter K. Rogan Lab, Western University
No classification provided (evidence only). Condition: Uterine corpus endometrial carcinoma. Review status: no classification provided. Collection method: in vitro. Allele origin: not applicable. Functional consequence: retained intron. Not counted in ClinVar's aggregate classification.

Dr. Peter K. Rogan Lab, Western University
No classification provided (evidence only). Condition: Cervical cancer. Review status: no classification provided. Collection method: in vitro. Allele origin: not applicable. Functional consequence: retained intron. Not counted in ClinVar's aggregate classification.

Dr. Peter K. Rogan Lab, Western University
No classification provided (evidence only). Condition: Sarcoma. Review status: no classification provided. Collection method: in vitro. Allele origin: not applicable. Functional consequence: retained intron. Not counted in ClinVar's aggregate classification.

Dr. Peter K. Rogan Lab, Western University
No classification provided (evidence only). Condition: Sarcoma. Review status: no classification provided. Collection method: in vitro. Allele origin: not applicable. Functional consequence: retained intron. Not counted in ClinVar's aggregate classification.

Dr. Peter K. Rogan Lab, Western University
No classification provided (evidence only). Condition: Sarcoma. Review status: no classification provided. Collection method: in vitro. Allele origin: not applicable. Functional consequence: retained intron. Not counted in ClinVar's aggregate classification.

Dr. Peter K. Rogan Lab, Western University
No classification provided (evidence only). Condition: Nonpapillary renal cell carcinoma. Review status: no classification provided. Collection method: in vitro. Allele origin: not applicable. Functional consequence: retained intron. Not counted in ClinVar's aggregate classification.

Dr. Peter K. Rogan Lab, Western University
No classification provided (evidence only). Condition: Ovarian serous cystadenocarcinoma. Review status: no classification provided. Collection method: in vitro. Allele origin: not applicable. Functional consequence: retained intron. Not counted in ClinVar's aggregate classification.

Dr. Peter K. Rogan Lab, Western University
No classification provided (evidence only). Condition: Malignant tumor of esophagus. Review status: no classification provided. Collection method: in vitro. Allele origin: not applicable. Functional consequence: retained intron. Not counted in ClinVar's aggregate classification.

Dr. Peter K. Rogan Lab, Western University
No classification provided (evidence only). Condition: Malignant tumor of esophagus. Review status: no classification provided. Collection method: in vitro. Allele origin: not applicable. Functional consequence: retained intron. Not counted in ClinVar's aggregate classification.

NM_003690.5(PRKRA):c.173A>G (p.Asp58Gly)

Gene: PRKRA (protein activator of interferon induced protein kinase EIF2AK2; minus strand). Cytogenetic location: 2q31.2.
Variant type: single nucleotide variant.
Coding change: c.173A>G on transcript NM_003690.5 (MANE Select); coding-DNA position 173, A replaced by G.
Protein change: p.Asp58Gly; replaces aspartic acid 58 with glycine.
Molecular consequence: missense variant. On other transcripts: 5 prime UTR variant (1).
Genome position (GRCh38, 1-based): chr2:178,450,304, T>C on the plus strand (A>G on the coding strand, the complement: PRKRA is on the minus strand). VCF-style: chr2-178450304-T-C. GRCh37 (hg19) VCF-style: chr2-179315031-T-C.
Other names: p.Asp58Gly; c.140A>G, p.Asp47Gly (NM_001139517.2); c.98A>G, p.Asp33Gly (NM_001139518.2); c.-277A>G (NM_001316362.2); short protein forms D58G, D47G, D33G.
Identifiers: ClinVar variation 332631 (VCV000332631.22), dbSNP rs61999302, ClinGen allele CA1984024.